The following is an entry in ClinVar:

ClinVar aggregate classification (germline): Uncertain significance (1 of 4 stars; one submission).

Conditions:
Leigh syndrome (NULS). Also called: Leigh's necrotizing encephalopathy; Leigh's disease; Leigh Syndrome (mtDNA deletion); Leigh Disease; Subacute necrotizing encephalopathy; Necrotizing encephalopathy infantile subacute of Leigh. Identifiers: Orphanet 506, MedGen C2931891, MONDO:0009723, OMIM 256000.

Submission:

Wong Mito Lab, Molecular and Human Genetics, Baylor College of Medicine
Classification: Uncertain significance for Leigh syndrome. Last evaluated: 2019-10-17. Review status: criteria provided, single submitter. Criteria: Modified ACMG Guidelines (Unpublished). Collection method: clinical testing. Allele origin: germline.
Comment: The NC_012920.1:m.9804G>C (YP_003024032.1:p.Ala200Pro) variant in MTCO3 gene is interpretated to be a Uncertain Significance variant based on the modified ACMG guidelines (unpublished). This variant meets the following evidence codes: PP4

NC_012920.1(MT-CO3):m.9804G>C

Gene: MT-CO3 (mitochondrially encoded cytochrome c oxidase III; plus strand).
Variant type: single nucleotide variant.
Genome position: chrM-9804-G-C.
Identifiers: ClinVar variation 693229 (VCV000693229.1), dbSNP rs200613617, ClinGen allele CA414803748.